The following is an entry in ClinVar:

ClinVar aggregate classification (germline): Likely benign. Review status: criteria provided, multiple submitters, no conflicts (2 of 4 stars). 3 submissions from 3 submitters: Likely benign (2). 1 of the submissions does not count toward it. Last evaluated 2018-09-05.

Conditions:
LRP1-related disorder. Also called: LRP1-related condition.

Allele frequency attached by ClinVar (database versions not stated): ESP Exome Variant Server 0.00008; 1000 Genomes Project 0.00060; 1000 Genomes Project 30x 0.00062; TOPMed 0.00084; ExAC 0.00085; gnomAD exomes 0.00121.
gnomAD v4.1: 430 of 1,614,042 alleles (0.027%); highest among the groups gnomAD compares: Admixed American, 0.61%; 5 homozygotes.

Submissions (3):

Labcorp Genetics (formerly Invitae), Labcorp
Classification: Likely benign. Last evaluated: 2018-09-05. Review status: criteria provided, single submitter. Criteria: Invitae Variant Classification Sherloc (09022015). Collection method: clinical testing. Allele origin: germline.

Breakthrough Genomics
Classification: Likely benign. Review status: criteria provided, single submitter. Criteria: ACMG Guidelines, 2015. Collection method: not provided. Allele origin: germline. Inheritance: Autosomal recessive inheritance. Affected: yes.

PreventionGenetics, part of Exact Sciences
Classification: Benign for LRP1-related condition. Last evaluated: 2019-10-01. Review status: no assertion criteria provided. Collection method: clinical testing. Allele origin: germline. Not counted in ClinVar's aggregate classification.
Comment: This variant is classified as benign based on ACMG/AMP sequence variant interpretation guidelines (Richards et al. 2015 PMID: 25741868, with internal and published modifications).

NM_002332.3(LRP1):c.11137G>A (p.Gly3713Arg)

Gene: LRP1 (LDL receptor related protein 1; plus strand). Cytogenetic location: 12q13.3.
Variant type: single nucleotide variant.
Coding change: c.11137G>A on transcript NM_002332.3 (MANE Select); coding-DNA position 11137, G replaced by A.
Protein change: p.Gly3713Arg; replaces glycine 3713 with arginine.
Molecular consequence: missense variant.
Genome position (GRCh38, 1-based): chr12:57,204,692, G>A. VCF-style: chr12-57204692-G-A. GRCh37 (hg19) VCF-style: chr12-57598475-G-A.
Other names: short protein forms G3713R.
Identifiers: ClinVar variation 786794 (VCV000786794.6), dbSNP rs143327344, ClinGen allele CA6645190.